The following is an entry in ClinVar:

NM_206933.4(USH2A):c.2372A>T (p.Asn791Ile)

Genes: USH2A (usherin; minus strand), LOC122152296 (Sharpr-MPRA regulatory region 8762; plus strand). Cytogenetic location: 1q41.
Variant type: single nucleotide variant.
Coding change: c.2372A>T on transcript NM_206933.4 (MANE Select); coding-DNA position 2372, A replaced by T.
Protein change: p.Asn791Ile; replaces asparagine 791 with isoleucine.
Molecular consequence: missense variant.
Genome position (GRCh38, 1-based): chr1:216,247,022, T>A on the plus strand (A>T on the coding strand, the complement: USH2A is on the minus strand). VCF-style: chr1-216247022-T-A. GRCh37 (hg19) VCF-style: chr1-216420364-T-A.
Other names: c.2372A>T, p.Asn791Ile (NM_007123.6); short protein forms N791I.
Identifiers: ClinVar variation 3369659 (VCV003369659.2).

ClinVar aggregate classification (germline): Uncertain significance. Review status: criteria provided, multiple submitters, no conflicts (2 of 4 stars). 2 submissions from 2 submitters: Uncertain significance (2). Last evaluated 2024-02-26.

Submissions (2):

GeneDx
Classification: Uncertain significance. Last evaluated: 2024-02-26. Review status: criteria provided, single submitter. Criteria: GeneDx Variant Classification Process June 2021. Collection method: clinical testing. Allele origin: germline. Affected: yes.
Comment: Not observed at significant frequency in large population cohorts (gnomAD); In silico analysis supports that this missense variant does not alter protein structure/function; Has not been previously published as pathogenic or benign to our knowledge

Blueprint Genetics
Classification: Uncertain significance. Last evaluated: 2021-10-06. Review status: criteria provided, single submitter. Criteria: ACMG Guidelines, 2015. Collection method: clinical testing. Allele origin: germline.